The following is an entry in ClinVar:

NM_000465.4(BARD1):c.1811-2A>G

Gene: BARD1 (BRCA1 associated RING domain 1; minus strand). Cytogenetic location: 2q35.
Variant type: single nucleotide variant.
Coding change: c.1811-2A>G on transcript NM_000465.4 (MANE Select); the canonical splice acceptor site of the intron before coding-DNA position 1811, A replaced by G.
Molecular consequence: splice acceptor variant. On other transcripts: intron variant (1).
Genome position (GRCh38, 1-based): chr2:214,745,161, T>C on the plus strand (A>G on the coding strand, the complement: BARD1 is on the minus strand). VCF-style: chr2-214745161-T-C. GRCh37 (hg19) VCF-style: chr2-215609885-T-C.
Other names: c.401-2A>G (NM_001282548.2); c.1754-2A>G (NM_001282543.2); c.458-2A>G (NM_001282545.2); c.365-14653A>G (NM_001282549.2).
Identifiers: ClinVar variation 976251 (VCV000976251.9), dbSNP rs1693044156, ClinGen allele CA350452409.

ClinVar aggregate classification (germline): Pathogenic/Likely pathogenic. Review status: criteria provided, multiple submitters, no conflicts (2 of 4 stars). 3 submissions from 3 submitters: Pathogenic (1); Likely pathogenic (2). Last evaluated 2025-04-07.

Conditions:
Hereditary cancer-predisposing syndrome. Also called: Neoplastic Syndromes, Hereditary; Hereditary Cancer Syndrome; Tumor predisposition; Hereditary neoplastic syndrome. Identifiers: Orphanet 140162, MedGen C0027672, MeSH D009386, MONDO:0015356.
Familial cancer of breast. Also called: hereditary breast carcinoma; BREAST CANCER, FAMILIAL; Hereditary breast cancer. Identifiers: Orphanet 227535, MedGen C0346153, MONDO:0016419, OMIM 114480. Disease mechanism: loss of function.

Submissions (3):

Labcorp Genetics (formerly Invitae), Labcorp
Classification: Likely pathogenic for Familial cancer of breast. Last evaluated: 2025-04-07. Review status: criteria provided, single submitter. Criteria: Invitae Variant Classification Sherloc (09022015). Collection method: clinical testing. Allele origin: germline.
Comment: This sequence change affects an acceptor splice site in intron 8 of the BARD1 gene. It is expected to disrupt RNA splicing. Variants that disrupt the donor or acceptor splice site typically lead to a loss of protein function (PMID: 16199547), and loss-of-function variants in BARD1 are known to be pathogenic (PMID: 20077502, 21344236). This variant is not present in population databases (gnomAD no frequency). Disruption of this splice site has been observed in individual(s) with colorectal cancer (PMID: 25058500). ClinVar contains an entry for this variant (Variation ID: 976251). Algorithms developed to predict the effect of sequence changes on RNA splicing suggest that this variant may disrupt the consensus splice site. In summary, the currently available evidence indicates that the variant is pathogenic, but additional data are needed to prove that conclusively. Therefore, this variant has been classified as Likely Pathogenic.

Sema4
Classification: Likely pathogenic for Hereditary cancer-predisposing syndrome. Last evaluated: 2020-10-26. Review status: criteria provided, single submitter. Criteria: Sema4 Curation Guidelines. Collection method: curation. Allele origin: germline.
Comment: The BARD1 c.1811-2A>G variant has been reported in at least one family with colorectal and prostate cancer (PMID: 25058500). This variant affects a nucleotide within a consensus splice site of an intron. This variant may cause exon skipping, intron retention or use of a cryptic splice site. This variant is not reported in the Genome Aggregation Database (PMID: 27535533). Based on the current evidence available, this variant is interpreted as likely pathogenic.

Institute of Human Genetics, University of Leipzig Medical Center
Classification: Pathogenic for Familial cancer of breast. Last evaluated: 2019-08-01. Review status: criteria provided, single submitter. Criteria: ACMG Guidelines, 2015. Collection method: clinical testing. Allele origin: germline. Affected: yes. Observed: 1 variant allele.

Literature cited by the submitters: PubMed 16199547 (cited by Labcorp Genetics (formerly Invitae), Labcorp); PubMed 20077502 (cited by Labcorp Genetics (formerly Invitae), Labcorp); PubMed 21344236 (cited by Labcorp Genetics (formerly Invitae), Labcorp); PubMed 25058500 (cited by Labcorp Genetics (formerly Invitae), Labcorp and Sema4).